The following is an entry in ClinVar:

ClinVar aggregate classification (germline): Uncertain significance (1 of 4 stars; one submission).

Conditions:
Hereditary diffuse gastric adenocarcinoma (HDGC). Also called: DIFFUSE GASTRIC AND LOBULAR BREAST CANCER SYNDROME. Identifiers: Orphanet 26106, MedGen C1708349, MONDO:0007648, OMIM 137215.

Allele frequency attached by ClinVar (database versions not stated): gnomAD exomes below 0.00001.
gnomAD v4.1: 1 of 1,614,138 alleles (0.000062%); no homozygotes.

Submission:

Labcorp Genetics (formerly Invitae), Labcorp
Classification: Uncertain significance for Hereditary diffuse gastric adenocarcinoma. Last evaluated: 2024-06-30. Review status: criteria provided, single submitter. Criteria: Invitae Variant Classification Sherloc (09022015). Collection method: clinical testing. Allele origin: germline.
Comment: This sequence change replaces lysine, which is basic and polar, with asparagine, which is neutral and polar, at codon 86 of the CDH1 protein (p.Lys86Asn). This variant is not present in population databases (gnomAD no frequency). This variant has not been reported in the literature in individuals affected with CDH1-related conditions. An algorithm developed to predict the effect of missense changes on protein structure and function (PolyPhen-2) suggests that this variant is likely to be disruptive. In summary, the available evidence is currently insufficient to determine the role of this variant in disease. Therefore, it has been classified as a Variant of Uncertain Significance.

NM_004360.5(CDH1):c.258A>C (p.Lys86Asn)

Gene: CDH1 (cadherin 1; plus strand). Cytogenetic location: 16q22.1.
Variant type: single nucleotide variant.
Coding change: c.258A>C on transcript NM_004360.5 (MANE Select); coding-DNA position 258, A replaced by C.
Protein change: p.Lys86Asn; replaces lysine 86 with asparagine.
Molecular consequence: missense variant. On other transcripts: 5 prime UTR variant (2).
Genome position (GRCh38, 1-based): chr16:68,801,764, A>C. VCF-style: chr16-68801764-A-C. GRCh37 (hg19) VCF-style: chr16-68835667-A-C.
Other names: c.258A>C, p.Lys86Asn (NM_001317184.2); c.-1358A>C (NM_001317185.2); c.-1562A>C (NM_001317186.2); short protein forms K86N.
Identifiers: ClinVar variation 2776788 (VCV002776788.3), dbSNP rs2152126783, ClinGen allele CA396457255.